The following is an entry in ClinVar:

NM_001381902.1(SAGE1):c.198C>T (p.Ser66=)

Gene: SAGE1 (sarcoma antigen 1; plus strand). Cytogenetic location: Xq26.3.
Variant type: single nucleotide variant.
Coding change: c.198C>T on transcript NM_001381902.1 (MANE Select); coding-DNA position 198, C replaced by T.
Protein change: p.Ser66=; no amino-acid change (serine 66 retained).
Molecular consequence: synonymous variant.
Genome position (GRCh38, 1-based): chrX:135,901,669, C>T. VCF-style: chrX-135901669-C-T. GRCh37 (hg19) VCF-style: chrX-134983828-C-T.
Other names: c.198C>T, p.Ser66= (NM_018666.3).
Identifiers: ClinVar variation 2661492 (VCV002661492.24), dbSNP rs782515760, ClinGen allele CA10523812.
Genomic context (GRCh38, chrX:135,901,669, plus strand): 5'-AAAGAAACATTCCAGAAAATCCAAGAGACACTCTTCATCTAAGAGAAGGAAGAGTATGTC[C>T]TCGTGGTTAGACAAACAGGAAGGTGAGGGGGAATCCAATCTTTGGGCCTCAACCATGTCA-3'
Protein context (NP_001368831.1, residues 56-76): HSSSKRRKSM[Ser66=]SWLDKQEDAA

ClinVar aggregate classification (germline): Likely benign (1 of 4 stars; one submission).

Allele frequency attached by ClinVar (database versions not stated): ExAC 0.00001; TOPMed 0.00002.

Submission:

CeGaT Center for Human Genetics Tuebingen
Classification: Likely benign. Last evaluated: 2022-06-01. Review status: criteria provided, single submitter. Criteria: CeGaT Center For Human Genetics Tuebingen Variant Classification Criteria Version 2. Collection method: clinical testing. Allele origin: germline. Affected: yes. Observed: 1 variant allele.
Comment: SAGE1: BP4, BP7